The following is an entry in ClinVar:

NM_003244.4(TGIF1):c.711C>A (p.Pro237=)

Gene: TGIF1 (TGFB induced factor homeobox 1; plus strand). Cytogenetic location: 18p11.31.
Variant type: single nucleotide variant.
Coding change: c.711C>A on transcript NM_003244.4 (MANE Select); coding-DNA position 711, C replaced by A.
Protein change: p.Pro237=; no amino-acid change (proline 237 retained).
Molecular consequence: synonymous variant.
Genome position (GRCh38, 1-based): chr18:3,457,832, C>A. VCF-style: chr18-3457832-C-A. GRCh37 (hg19) VCF-style: chr18-3457830-C-A.
Other names: c.720C>A, p.Pro240= (NM_001278682.2); c.711C>A, p.Pro237= (NM_001278684.2, NM_173208.3); c.651C>A, p.Pro217= (NM_001278686.3, NM_001374396.1, NM_001374397.1 and 5 more transcripts); c.753C>A, p.Pro251= (NM_173207.4).
Identifiers: ClinVar variation 1598228 (VCV001598228.36), dbSNP rs141303152, ClinGen allele CA8876011.

ClinVar aggregate classification (germline): Likely benign. Review status: criteria provided, multiple submitters, no conflicts (2 of 4 stars). 2 submissions from 2 submitters: Likely benign (2). Last evaluated 2025-07-28.

Conditions:
Holoprosencephaly 4 (HPE4). Identifiers: Orphanet 2162, MedGen C1840528, MONDO:0007734, OMIM 142946.

Allele frequency attached by ClinVar (database versions not stated): ExAC 0.00007; gnomAD exomes 0.00008; gnomAD 0.00011; ESP Exome Variant Server 0.00023.
gnomAD v4.1: 207 of 1,611,704 alleles (0.013%); highest among the groups gnomAD compares: Non-Finnish European, 0.016%; no homozygotes.

Submissions (2):

Labcorp Genetics (formerly Invitae), Labcorp
Classification: Likely benign for Holoprosencephaly 4. Last evaluated: 2025-07-28. Review status: criteria provided, single submitter. Criteria: Invitae Variant Classification Sherloc (09022015). Collection method: clinical testing. Allele origin: germline.

CeGaT Center for Human Genetics Tuebingen
Classification: Likely benign. Last evaluated: 2023-01-01. Review status: criteria provided, single submitter. Criteria: CeGaT Center For Human Genetics Tuebingen Variant Classification Criteria Version 2. Collection method: clinical testing. Allele origin: germline. Affected: yes. Observed: 1 variant allele.
Comment: TGIF1: BP4, BP7